The following is an entry in ClinVar:

ClinVar aggregate classification (germline): Uncertain significance (1 of 4 stars; one submission).

Allele frequency attached by ClinVar (database versions not stated): ExAC 0.00001; gnomAD 0.00001; TOPMed 0.00002.
gnomAD v4.1: 2 of 1,603,664 alleles (0.00012%); highest among the groups gnomAD compares: Admixed American, 0.0017%; no homozygotes.

Submission:

Labcorp Genetics (formerly Invitae), Labcorp
Classification: Uncertain significance. Last evaluated: 2022-02-19. Review status: criteria provided, single submitter. Criteria: Invitae Variant Classification Sherloc (09022015). Collection method: clinical testing. Allele origin: germline.
Comment: This sequence change replaces asparagine, which is neutral and polar, with serine, which is neutral and polar, at codon 181 of the CDC14A protein (p.Asn181Ser). In summary, the available evidence is currently insufficient to determine the role of this variant in disease. Therefore, it has been classified as a Variant of Uncertain Significance. Algorithms developed to predict the effect of missense changes on protein structure and function are either unavailable or do not agree on the potential impact of this missense change (SIFT: "Deleterious"; PolyPhen-2: "Possibly Damaging"; Align-GVGD: "Class C0"). This variant has not been reported in the literature in individuals affected with CDC14A-related conditions. This variant is not present in population databases (gnomAD no frequency).

NM_003672.4(CDC14A):c.542A>G (p.Asn181Ser)

Gene: CDC14A (cell division cycle 14A; plus strand). Cytogenetic location: 1p21.2.
Variant type: single nucleotide variant.
Coding change: c.542A>G on transcript NM_003672.4 (MANE Select); coding-DNA position 542, A replaced by G.
Protein change: p.Asn181Ser; replaces asparagine 181 with serine.
Molecular consequence: missense variant. On other transcripts: intron variant (1).
Genome position (GRCh38, 1-based): chr1:100,455,427, A>G. VCF-style: chr1-100455427-A-G. GRCh37 (hg19) VCF-style: chr1-100920983-A-G.
Other names: c.542A>G, p.Asn181Ser (NM_001319210.2, NM_033312.3, NM_033313.3); c.368A>G, p.Asn123Ser (NM_001319211.2); c.-272-7224A>G (NM_001319212.2); short protein forms N181S, N123S.
Identifiers: ClinVar variation 1352857 (VCV001352857.6), dbSNP rs750581079, ClinGen allele CA970627.